The following is an entry in ClinVar:

ClinVar aggregate classification (germline): Likely pathogenic (1 of 4 stars; one submission).

Conditions:
Congenital myasthenic syndrome 3C. Also called: Myasthenic syndrome, congenital, 3c, associated with acetylcholine receptor deficiency. Identifiers: Orphanet 590, MedGen C4225370, MONDO:0014585, OMIM 616323.

Submission:

Variantyx, Inc.
Classification: Likely pathogenic for Congenital myasthenic syndrome 3C. Last evaluated: 2025-06-04. Review status: criteria provided, single submitter. Criteria: Variantyx Assertion Criteria 2022. Collection method: clinical testing. Allele origin: germline. Inheritance: Autosomal recessive inheritance. Affected: no.
Comment: This is a frameshift variant in the CHRND gene (OMIM: 100720). Pathogenic variants in this gene have been associated with autosomal recessive congenital myasthenic syndrome-3C associated with acetylcholine receptor deficiency (provisional association). This variant introduces a premature termination codon in exon 11 out of 12 and is expected to result in loss of function, which is a known disease mechanism for CHRND in this disorder (PMID: 11435464, 25264167) (PVS1). This variant has a 0.0002% maximum allele frequency in non-founder control populations (PM2). Based on the current evidence, this variant is classified as likely pathogenic for autosomal recessive congenital myasthenic syndrome-3C associated with acetylcholine receptor deficiency (provisional association).

Literature cited by the submitters: PubMed 11435464; PubMed 25264167.

NM_000751.3(CHRND):c.1279del (p.Ala427fs)

Gene: CHRND (cholinergic receptor nicotinic delta subunit; plus strand). Cytogenetic location: 2q37.1.
Variant type: Deletion.
Coding change: c.1279del on transcript NM_000751.3 (MANE Select); coding-DNA position 1279, one base deleted (G; older notation c.1279delG).
Protein change: p.Ala427fs; shifts the reading frame from alanine 427.
Molecular consequence: frameshift variant.
Genome position (GRCh38, 1-based): chr2:232,534,250, G deleted; the last of 2 consecutive G bases (chr2:232,534,249-232,534,250); deleting either gives the same sequence. VCF-style (leftmost placement, unchanged base first): chr2-232534248-AG-A. GRCh37 (hg19) VCF-style: chr2-233398958-AG-A.
Other names: c.1234del, p.Ala412fs (NM_001256657.2); c.697del, p.Ala233fs (NM_001311195.2); c.976del, p.Ala326fs (NM_001311196.2); short protein forms A233fs, A326fs, A412fs, A427fs.
Identifiers: ClinVar variation 4852182 (VCV004852182.1).